The following is an entry in ClinVar:

ClinVar aggregate classification (germline): Uncertain significance. Review status: criteria provided, multiple submitters, no conflicts (2 of 4 stars). 3 submissions from 2 submitters: Uncertain significance (3). Last evaluated 2024-05-13.

Conditions:
Myelodysplastic syndrome (MDS). Also called: MYELODYSPLASTIC SYNDROME, SUSCEPTIBILITY TO; Myelodysplastic syndromes; Myelodysplastic syndrome, somatic. Identifiers: Orphanet 52688, MedGen C3463824, MeSH D009190, MONDO:0018881, OMIM 614286.
Juvenile myelomonocytic leukemia (JMML). Also called: LEUKEMIA, JUVENILE MYELOMONOCYTIC, SOMATIC. Identifiers: Orphanet 86834, MedGen C0349639, MONDO:0011908, OMIM 607785, HP:0012209.

Allele frequency attached by ClinVar (database versions not stated): gnomAD 0.00002 and 0.00003; TOPMed 0.00002; ExAC 0.00003; gnomAD exomes 0.00005.
gnomAD v4.1: 35 of 1,608,932 alleles (0.0022%); highest among the groups gnomAD compares: Middle Eastern, 0.033%; 2 homozygotes.

Submissions (3):

Labcorp Genetics (formerly Invitae), Labcorp
Classification: Uncertain significance. Last evaluated: 2024-05-13. Review status: criteria provided, single submitter. Criteria: Invitae Variant Classification Sherloc (09022015). Collection method: clinical testing. Allele origin: germline.
Comment: This sequence change replaces alanine, which is neutral and non-polar, with glycine, which is neutral and non-polar, at codon 637 of the ASXL1 protein (p.Ala637Gly). This variant is present in population databases (rs769053835, gnomAD 0.01%). This variant has not been reported in the literature in individuals affected with ASXL1-related conditions. ClinVar contains an entry for this variant (Variation ID: 548571). An algorithm developed to predict the effect of missense changes on protein structure and function (PolyPhen-2) suggests that this variant is likely to be disruptive. In summary, the available evidence is currently insufficient to determine the role of this variant in disease. Therefore, it has been classified as a Variant of Uncertain Significance.

Genomic Research Center, Shahid Beheshti University of Medical Sciences
Classification: Uncertain significance for Myelodysplastic syndrome. Last evaluated: 2018-03-05. Review status: criteria provided, single submitter. Criteria: ACMG Guidelines, 2015. Collection method: clinical testing. Allele origin: inherited. Affected: yes. Observed: 1 variant allele.

Genomic Research Center, Shahid Beheshti University of Medical Sciences
Classification: Uncertain significance for Juvenile myelomonocytic leukemia. Last evaluated: 2018-03-05. Review status: criteria provided, single submitter. Criteria: ACMG Guidelines, 2015. Collection method: clinical testing. Allele origin: inherited. Affected: yes. Observed: 1 variant allele.

NM_015338.6(ASXL1):c.1910C>G (p.Ala637Gly)

Gene: ASXL1 (ASXL transcriptional regulator 1; plus strand). Cytogenetic location: 20q11.21.
Variant type: single nucleotide variant.
Coding change: c.1910C>G on transcript NM_015338.6 (MANE Select); coding-DNA position 1910, C replaced by G.
Protein change: p.Ala637Gly; replaces alanine 637 with glycine.
Molecular consequence: missense variant.
Genome position (GRCh38, 1-based): chr20:32,434,622, C>G. VCF-style: chr20-32434622-C-G. GRCh37 (hg19) VCF-style: chr20-31022425-C-G.
Other names: c.1727C>G, p.Ala576Gly (NM_001363734.1); short protein forms A637G, A576G.
Identifiers: ClinVar variation 548571 (VCV000548571.8), dbSNP rs769053835, ClinGen allele CA9808484.
Genomic context (GRCh38, chr20:32,434,622, plus strand): 5'-TTAAAGCCCGTGCTCTGCAGGTCCGAGGGGCGAGAGGTCACCACTGCCATAGAGAGGCGG[C>G]CACCACTGCCATCGGAGGGGGGGGTGGCCCGGGTGGAGGTGGCGGCGGGGCCACCGATGA-3'
Protein context (NP_056153.2, residues 627-647): ARGHHCHREA[Ala637Gly]TTAIGGGGGP